The following is an entry in ClinVar:

ClinVar aggregate classification (germline): Benign. Review status: criteria provided, multiple submitters, no conflicts (2 of 4 stars). 2 submissions from 2 submitters: Benign (2). Last evaluated 2018-06-16.

Allele frequency attached by ClinVar (database versions not stated): gnomAD 0.16053; 1000 Genomes Project 0.16174; ESP Exome Variant Server 0.17015; 1000 Genomes Project 30x 0.17021; TOPMed 0.18710.
gnomAD v4.1: 293,545 of 1,603,114 alleles (18%); highest among the groups gnomAD compares: Admixed American, 33%; 28,298 homozygotes.

Submissions (2):

GeneDx
Classification: Benign. Last evaluated: 2018-06-16. Review status: criteria provided, single submitter. Criteria: GeneDx Variant Classification (06012015). Collection method: clinical testing. Allele origin: germline. Affected: yes.
Comment: This variant is considered likely benign or benign based on one or more of the following criteria: it is a conservative change, it occurs at a poorly conserved position in the protein, it is predicted to be benign by multiple in silico algorithms, and/or has population frequency not consistent with disease.

Breakthrough Genomics
Classification: Benign. Review status: criteria provided, single submitter. Criteria: ACMG Guidelines, 2015. Collection method: not provided. Allele origin: germline. Inheritance: Autosomal recessive inheritance. Affected: yes.

NM_000089.4(COL1A2):c.1666-41G>A

Gene: COL1A2 (collagen type I alpha 2 chain; plus strand). Cytogenetic location: 7q21.3.
Variant type: single nucleotide variant.
Coding change: c.1666-41G>A on transcript NM_000089.4 (MANE Select); 41 bases into the intron before coding-DNA position 1666, G replaced by A.
Molecular consequence: intron variant.
Genome position (GRCh38, 1-based): chr7:94,414,181, G>A. VCF-style: chr7-94414181-G-A. GRCh37 (hg19) VCF-style: chr7-94043493-G-A.
Identifiers: ClinVar variation 674830 (VCV000674830.2), dbSNP rs2301643, ClinGen allele CA4347162.